The following is an entry in ClinVar:

NM_024666.5(AAGAB):c.389G>A (p.Trp130Ter)

Gene: AAGAB (alpha and gamma adaptin binding protein; minus strand). Cytogenetic location: 15q23.
Variant type: single nucleotide variant.
Coding change: c.389G>A on transcript NM_024666.5 (MANE Select); coding-DNA position 389, G replaced by A.
Protein change: p.Trp130Ter; replaces tryptophan 130 with a stop codon.
Molecular consequence: nonsense.
Genome position (GRCh38, 1-based): chr15:67,236,041, C>T on the plus strand (G>A on the coding strand, the complement: AAGAB is on the minus strand). VCF-style: chr15-67236041-C-T. GRCh37 (hg19) VCF-style: chr15-67528379-C-T.
Other names: c.62G>A, p.Trp21Ter (NM_001271885.2, NM_001271886.2); short protein forms W130*, W21*.
Identifiers: ClinVar variation 3612281 (VCV003612281.2).

ClinVar aggregate classification (germline): Pathogenic (1 of 4 stars; one submission).

gnomAD v4.1: 1 of 1,613,056 alleles (0.000062%); highest among the groups gnomAD compares: Non-Finnish European, 0.000085%; no homozygotes.

Submission:

Labcorp Genetics (formerly Invitae), Labcorp
Classification: Pathogenic. Last evaluated: 2024-07-31. Review status: criteria provided, single submitter. Criteria: Invitae Variant Classification Sherloc (09022015). Collection method: clinical testing. Allele origin: germline.
Comment: This sequence change creates a premature translational stop signal (p.Trp130*) in the AAGAB gene. It is expected to result in an absent or disrupted protein product. Loss-of-function variants in AAGAB are known to be pathogenic (PMID: 23000146, 23064416, 23563198, 23633024, 24390136). This variant is not present in population databases (gnomAD no frequency). This premature translational stop signal has been observed in individual(s) with AAGAB-related conditions (PMID: 23743648). For these reasons, this variant has been classified as Pathogenic.

Literature cited by the submitters: PubMed 23000146; PubMed 23064416; PubMed 23563198; PubMed 23633024; PubMed 24390136; PubMed 23743648.